The following is an entry in ClinVar:

ClinVar aggregate classification (germline): Uncertain significance (1 of 4 stars; one submission).

Submission:

Labcorp Genetics (formerly Invitae), Labcorp
Classification: Uncertain significance. Last evaluated: 2024-06-25. Review status: criteria provided, single submitter. Criteria: Invitae Variant Classification Sherloc (09022015). Collection method: clinical testing. Allele origin: germline.
Comment: This sequence change replaces proline, which is neutral and non-polar, with leucine, which is neutral and non-polar, at codon 859 of the COL4A2 protein (p.Pro859Leu). This variant is not present in population databases (gnomAD no frequency). This variant has not been reported in the literature in individuals affected with COL4A2-related conditions. Advanced modeling of protein sequence and biophysical properties (such as structural, functional, and spatial information, amino acid conservation, physicochemical variation, residue mobility, and thermodynamic stability) performed at Invitae indicates that this missense variant is not expected to disrupt COL4A2 protein function with a negative predictive value of 95%. In summary, the available evidence is currently insufficient to determine the role of this variant in disease. Therefore, it has been classified as a Variant of Uncertain Significance.

NM_001846.4(COL4A2):c.2576C>T (p.Pro859Leu)

Gene: COL4A2 (collagen type IV alpha 2 chain; plus strand). Cytogenetic location: 13q34.
Variant type: single nucleotide variant.
Coding change: c.2576C>T on transcript NM_001846.4 (MANE Select); coding-DNA position 2576, C replaced by T.
Protein change: p.Pro859Leu; replaces proline 859 with leucine.
Molecular consequence: missense variant.
Genome position (GRCh38, 1-based): chr13:110,478,153, C>T. VCF-style: chr13-110478153-C-T. GRCh37 (hg19) VCF-style: chr13-111130500-C-T.
Other names: short protein forms P859L.
Identifiers: ClinVar variation 3686198 (VCV003686198.2).